The following is an entry in ClinVar:

NM_000059.4(BRCA2):c.1861_1863delinsAGC (p.Glu621Ser)

Gene: BRCA2 (BRCA2 DNA repair associated; plus strand). Cytogenetic location: 13q13.1.
Variant type: Indel.
Coding change: c.1861_1863delinsAGC on transcript NM_000059.4 (MANE Select); coding-DNA positions 1861 to 1863, GAA replaced by AGC.
Protein change: p.Glu621Ser; replaces glutamic acid 621 with serine.
Molecular consequence: missense variant.
Genome position (GRCh38, 1-based): chr13:32,333,339-32,333,341, GAA replaced by AGC. VCF-style: chr13-32333339-GAA-AGC. GRCh37 (hg19) VCF-style: chr13-32907476-GAA-AGC.
Other names: c.1861_1863delGAAinsAGC (NM_000059.3); short protein forms E621S.
Identifiers: ClinVar variation 863399 (VCV000863399.19), dbSNP rs2072424315, ClinGen allele CA916080051.

ClinVar aggregate classification (germline): Conflicting classifications of pathogenicity. Review status: criteria provided, conflicting classifications (1 of 4 stars). 6 submissions from 6 submitters: Uncertain significance (5); Likely benign (1). Last evaluated 2025-10-31.

Conditions:
Hereditary cancer-predisposing syndrome. Also called: Hereditary Cancer Syndrome; Tumor predisposition; Neoplastic Syndromes, Hereditary; Hereditary neoplastic syndrome. Identifiers: Orphanet 140162, MedGen C0027672, MeSH D009386, MONDO:0015356.
Hereditary breast ovarian cancer syndrome. Also called: Hereditary breast and ovarian cancer syndrome; Hereditary breast and/or ovarian cancer syndrome; Hereditary breast and ovarian cancer syndrome (HBOC); Breast and ovarian cancer; Hereditary breast and ovarian cancer; BRCA1- and BRCA2-Associated Hereditary Breast and Ovarian Cancer. Identifiers: Orphanet 145, MedGen C0677776, MeSH D061325, MONDO:0003582. Disease mechanism: loss of function.

Submissions (6):

Quest Diagnostics Nichols Institute San Juan Capistrano
Classification: Uncertain significance. Last evaluated: 2025-10-31. Review status: criteria provided, single submitter. Criteria: Quest Diagnostics criteria. Collection method: clinical testing. Allele origin: unknown.
Comment: The BRCA2 c.1861_1863delinsAGC (p.Glu621Ser) variant has been reported in the published literature in an individual with breast cancer (PMID: 25777348 (2015)). This variant has not been reported in large, multi-ethnic general populations (Genome Aggregation Database). Analysis of this variant using bioinformatics tools for the prediction of the effect of amino acid changes on protein structure and function yielded predictions that this variant is damaging. Based on the available information, we are unable to determine the clinical significance of this variant.

Labcorp Genetics (formerly Invitae), Labcorp
Classification: Uncertain significance for Hereditary breast ovarian cancer syndrome. Last evaluated: 2025-07-08. Review status: criteria provided, single submitter. Criteria: Invitae Variant Classification Sherloc (09022015). Collection method: clinical testing. Allele origin: germline.
Comment: This sequence change replaces glutamic acid, which is acidic and polar, with serine, which is neutral and polar, at codon 621 of the BRCA2 protein (p.Glu621Ser). Information on the frequency of this variant in the gnomAD database is not available, as this variant may be reported differently in the database. This missense change has been observed in individual(s) with breast cancer (PMID: 25777348). ClinVar contains an entry for this variant (Variation ID: 863399). An algorithm developed to predict the effect of missense changes on protein structure and function (PolyPhen-2) suggests that this variant is likely to be disruptive. In summary, the available evidence is currently insufficient to determine the role of this variant in disease. Therefore, it has been classified as a Variant of Uncertain Significance.

University of Washington Department of Laboratory Medicine, University of Washington
Classification: Likely benign for Hereditary cancer-predisposing syndrome. Last evaluated: 2023-03-23. Review status: criteria provided, single submitter. Criteria: Dines et al. (Genet Med. 2020). Collection method: curation. Allele origin: germline.
Comment: Missense variant in a coldspot region where missense variants are very unlikely to be pathogenic (PMID:31911673).

BRCA2 exon 11 coldspot. Reclassification based on statistical prior probability.

Women's Health and Genetics/Laboratory Corporation of America, LabCorp
Classification: Uncertain significance. Last evaluated: 2022-01-14. Review status: criteria provided, single submitter. Criteria: LabCorp Variant Classification Summary - May 2015. Collection method: clinical testing. Allele origin: germline.
Comment: Variant summary: BRCA2 c.1861_1863delinsAGC (p.Glu621Ser) results in a non-conservative amino acid change in the encoded protein sequence. Three of five in-silico tools predict a benign effect of the variant on protein function. The variant was absent in 240264 control chromosomes. c.1861_1863delinsAGC has been reported in the literature in at least one individual affected with Breast Cancer (El Saghir_2015). This individual was found to carry a second variant in BRCA1 c.1772C>T [p.Ile591THr] which is classified as VUS/likely benign in ClinVar (54345). These data on variant occurences in the general population and in reported patients do not allow any conclusion about variant significance. To our knowledge, no experimental evidence demonstrating an impact on protein function has been reported. Three ClinVar submitters have assessed the variant since 2014: all submitters classified the variant as of uncertain significance. Based on the evidence outlined above, the variant was classified as uncertain significance.

Color Diagnostics, LLC DBA Color Health
Classification: Uncertain significance for Hereditary cancer-predisposing syndrome. Last evaluated: 2020-03-17. Review status: criteria provided, single submitter. Criteria: ACMG Guidelines, 2015. Collection method: clinical testing. Allele origin: germline.
Comment: This missense variant replaces glutamic acid with serine at codon 621 of the BRCA2 protein. Splice site prediction tools suggest that this variant may not impact RNA splicing. To our knowledge, functional studies have not been reported for this variant. This variant has not been reported in individuals affected with hereditary cancer in the literature. This variant has not been identified in the general population by the Genome Aggregation Database (gnomAD). The available evidence is insufficient to determine the role of this variant in disease conclusively. Therefore, this variant is classified as a Variant of Uncertain Significance.

GeneDx
Classification: Uncertain significance. Last evaluated: 2020-03-04. Review status: criteria provided, single submitter. Criteria: GeneDx Variant Classification Process June 2021. Collection method: clinical testing. Allele origin: germline. Affected: yes.
Comment: Not observed in large population cohorts (Lek 2016); In silico analysis supports that this variant does not alter protein structure/function; Observed in an individual with breast cancer (El Saghir 2015); Also known as c.2089_2091delGAAinsAGC; This variant is associated with the following publications: (PMID: 25777348)

Literature cited by the submitters: PubMed 25777348 (cited by 3 submitters).